The following is an entry in ClinVar:

NM_206933.4(USH2A):c.5588T>G (p.Met1863Arg)

Genes: USH2A (usherin; minus strand), USH2A-AS2 (USH2A antisense RNA 2; plus strand). Cytogenetic location: 1q41.
Variant type: single nucleotide variant.
Coding change: c.5588T>G on transcript NM_206933.4 (MANE Select); coding-DNA position 5588, T replaced by G.
Protein change: p.Met1863Arg; replaces methionine 1863 with arginine.
Molecular consequence: missense variant.
Genome position (GRCh38, 1-based): chr1:216,073,285, A>C on the plus strand (T>G on the coding strand, the complement: USH2A is on the minus strand). VCF-style: chr1-216073285-A-C. GRCh37 (hg19) VCF-style: chr1-216246627-A-C.
Other names: short protein forms M1863R.
Identifiers: ClinVar variation 4800034 (VCV004800034.1).

ClinVar aggregate classification (germline): Uncertain significance (1 of 4 stars; one submission).

Submission:

Labcorp Genetics (formerly Invitae), Labcorp
Classification: Uncertain significance. Last evaluated: 2026-01-13. Review status: criteria provided, single submitter. Criteria: Invitae Variant Classification Sherloc (09022015). Collection method: clinical testing. Allele origin: germline.
Comment: This sequence change replaces methionine, which is neutral and non-polar, with arginine, which is basic and polar, at codon 1863 of the USH2A protein (p.Met1863Arg). This variant is not present in population databases (gnomAD no frequency). This missense change has been observed in individual(s) with clinical features of retinitis pigmentosa (internal data). Invitae Evidence Modeling of protein sequence and biophysical properties (such as structural, functional, and spatial information, amino acid conservation, physicochemical variation, residue mobility, and thermodynamic stability) indicates that this missense variant is expected to disrupt USH2A protein function with a positive predictive value of 80%. This variant disrupts the p.Met1863 amino acid residue in USH2A. Other variant(s) that disrupt this residue have been observed in individuals with USH2A-related conditions (PMID: 27460420), which suggests that this may be a clinically significant amino acid residue. In summary, the available evidence is currently insufficient to determine the role of this variant in disease. Therefore, it has been classified as a Variant of Uncertain Significance.

Literature cited by the submitters: PubMed 27460420.